The following is an entry in ClinVar:

NM_004415.4(DSP):c.6188G>A (p.Arg2063Gln)

Gene: DSP (desmoplakin; plus strand). Cytogenetic location: 6p24.3.
Variant type: single nucleotide variant.
Coding change: c.6188G>A on transcript NM_004415.4 (MANE Select); coding-DNA position 6188, G replaced by A.
Protein change: p.Arg2063Gln; replaces arginine 2063 with glutamine.
Molecular consequence: missense variant.
Genome position (GRCh38, 1-based): chr6:7,583,450, G>A. VCF-style: chr6-7583450-G-A. GRCh37 (hg19) VCF-style: chr6-7583683-G-A.
Other names: p.R2063Q:CGG>CAG; c.6188G>A (LRG_423t1); c.4391G>A, p.Arg1464Gln (NM_001008844.3); c.4859G>A, p.Arg1620Gln (NM_001319034.2); short protein forms R2063Q, R1464Q, R1620Q.
Identifiers: ClinVar variation 199899 (VCV000199899.20), dbSNP rs142927608, ClinGen allele CA006758.

ClinVar aggregate classification (germline): Conflicting classifications of pathogenicity. Review status: criteria provided, conflicting classifications (1 of 4 stars). 5 submissions from 5 submitters: Uncertain significance (4); Likely benign (1). Last evaluated 2025-12-09.

Conditions:
Cardiovascular phenotype. Identifiers: MedGen CN230736.
Arrhythmogenic cardiomyopathy with wooly hair and keratoderma. Also called: Carvajal syndrome; Dilated cardiomyopathy with woolly hair and keratoderma; Arrhythmogenic cardiomyopathy with woolly hair and keratoderma; PALMOPLANTAR KERATODERMA WITH LEFT VENTRICULAR CARDIOMYOPATHY AND WOOLLY HAIR. Identifiers: Orphanet 65282, MedGen C1854063, MONDO:0011581, OMIM 605676.
Arrhythmogenic right ventricular dysplasia 8 (ARVD8). Also called: Arrhythmogenic Right Ventricular Dysplasia/Cardiomyopathy 8; ARRHYTHMOGENIC RIGHT VENTRICULAR CARDIOMYOPATHY 8; ARRHYTHMOGENIC RIGHT VENTRICULAR DYSPLASIA, FAMILIAL, 8. Identifiers: MedGen C1843896, MONDO:0011831, OMIM 607450.
Cardiomyopathy (CMYO). Also called: Cardiomyopathies. Identifiers: Orphanet 167848, MedGen C0878544, MONDO:0004994, HP:0001638. Inheritance: Various modes of inheritance.

Allele frequency attached by ClinVar (database versions not stated): ExAC 0.00001; gnomAD exomes 0.00001; TOPMed 0.00002; gnomAD 0.00006; ESP Exome Variant Server 0.00008.
gnomAD v4.1: 18 of 1,614,010 alleles (0.0011%); highest among the groups gnomAD compares: Non-Finnish European, 0.0015%; no homozygotes.

Submissions (5):

Labcorp Genetics (formerly Invitae), Labcorp
Classification: Likely benign for Arrhythmogenic cardiomyopathy with wooly hair and keratoderma; Arrhythmogenic right ventricular dysplasia 8. Last evaluated: 2025-12-09. Review status: criteria provided, single submitter. Criteria: Invitae Variant Classification Sherloc (09022015). Collection method: clinical testing. Allele origin: germline.

Ambry Genetics
Classification: Uncertain significance for Cardiovascular phenotype. Last evaluated: 2025-11-05. Review status: criteria provided, single submitter. Criteria: Ambry Variant Classification Scheme 2023. Collection method: clinical testing. Allele origin: germline.

Color Diagnostics, LLC DBA Color Health
Classification: Uncertain significance for Cardiomyopathy. Last evaluated: 2024-03-26. Review status: criteria provided, single submitter. Criteria: ACMG Guidelines, 2015. Collection method: clinical testing. Allele origin: germline.
Comment: This missense variant replaces arginine with glutamine at codon 2063 of the DSP protein. Computational prediction suggests that this variant may not impact protein structure and function. To our knowledge, functional studies have not been reported for this variant. This variant has not been reported in individuals affected with DSP-related disorders in the literature but has been reported in an individual with hypertrophic cardiomyopathy (PMID: 266561750). This variant has been identified in 8/281864 chromosomes in the general population by the Genome Aggregation Database (gnomAD). The available evidence is insufficient to determine the role of this variant in disease conclusively. Therefore, this variant is classified as a Variant of Uncertain Significance.

All of Us Research Program, National Institutes of Health
Classification: Uncertain significance for Arrhythmogenic cardiomyopathy with wooly hair and keratoderma. Last evaluated: 2023-12-01. Review status: criteria provided, single submitter. Criteria: ACMG Guidelines, 2015. Collection method: clinical testing. Allele origin: germline. Inheritance: Autosomal dominant inheritance. Observed: 3 variant alleles, 3 heterozygotes.
Comment: This study involves interpretation of variants in research participants for the purpose of population health screening. Participant phenotype was not available at the time of variant classification. Additional details can be found in publication PMID: 35346344, PMCID: PMC8962531

GeneDx
Classification: Uncertain significance. Last evaluated: 2014-04-07. Review status: criteria provided, single submitter. Criteria: GeneDx Variant Classification (06012015). Collection method: clinical testing. Allele origin: germline. Affected: yes.
Comment: p.Arg2063Gln (CGG>CAG): c.6188 G>A in exon 24 of the DSP gene (NM_004415.2). The R2063Q variant has not been published as a mutation, nor has it been reported as a benign polymorphism to our knowledge. The R2063Q variant was not observed with any significant frequency in approximately 6,500 individuals of European and African American ancestry in the NHLBI Exome Sequencing Project. The R2063Q variant is a semi-conservative amino acid substitution, which may impact secondary protein structure as these residues differ in some properties. This substitution occurs at a position that is conserved in mammals. In silico analysis predicts this variant is possibly damaging to the protein structure/function. Nevertheless, only one additional missense mutation in a nearby residue (G2056R) has been reported in association with ARVC. Therefore, based on the currently available information, it is unclear whether this variant is a pathogenic mutation or a rare benign variant. The variant is found in CARDIOMYOPATHY panel(s).